The following is an entry in ClinVar:

ClinVar aggregate classification (germline): Uncertain significance (1 of 4 stars; one submission).

Submission:

CeGaT Center for Human Genetics Tuebingen
Classification: Uncertain significance. Last evaluated: 2023-09-01. Review status: criteria provided, single submitter. Criteria: CeGaT Center For Human Genetics Tuebingen Variant Classification Criteria Version 2. Collection method: clinical testing. Allele origin: germline. Affected: yes. Observed: 1 variant allele.
Comment: PRODH: PM2, PM3

NM_016335.6(PRODH):c.1093G>T (p.Val365Phe)

Gene: PRODH (proline dehydrogenase 1; minus strand). Cytogenetic location: 22q11.21.
Variant type: single nucleotide variant.
Coding change: c.1093G>T on transcript NM_016335.6 (MANE Select); coding-DNA position 1093, G replaced by T.
Protein change: p.Val365Phe; replaces valine 365 with phenylalanine.
Molecular consequence: missense variant.
Genome position (GRCh38, 1-based): chr22:18,919,717, C>A on the plus strand (G>T on the coding strand, the complement: PRODH is on the minus strand). VCF-style: chr22-18919717-C-A. GRCh37 (hg19) VCF-style: chr22-18907230-C-A.
Other names: c.769G>T, p.Val257Phe (NM_001195226.2, NM_001368250.2); short protein forms V257F, V365F.
Identifiers: ClinVar variation 2582999 (VCV002582999.25), dbSNP rs768237039, ClinGen allele CA10095113.